The following is an entry in ClinVar:

NM_006914.4(RORB):c.7+6C>T

Genes: RORB (RAR related orphan receptor B; plus strand), RORB-AS1 (RORB antisense RNA 1; minus strand). Cytogenetic location: 9q21.13.
Variant type: single nucleotide variant.
Coding change: c.7+6C>T on transcript NM_006914.4 (MANE Select); 6 bases into the intron after coding-DNA position 7, C replaced by T.
Molecular consequence: intron variant.
Genome position (GRCh38, 1-based): chr9:74,497,989, C>T. VCF-style: chr9-74497989-C-T. GRCh37 (hg19) VCF-style: chr9-77112905-C-T.
Identifiers: ClinVar variation 1695250 (VCV001695250.37), dbSNP rs1255360497, ClinGen allele CA588561447.

ClinVar aggregate classification (germline): Conflicting classifications of pathogenicity. Review status: criteria provided, conflicting classifications (1 of 4 stars). 3 submissions from 3 submitters: Uncertain significance (1); Likely benign (2). Last evaluated 2024-09-13.

Allele frequency attached by ClinVar (database versions not stated): gnomAD exomes below 0.00001.
gnomAD v4.1: 8 of 1,610,496 alleles (0.0005%); highest among the groups gnomAD compares: Middle Eastern, 0.016%; no homozygotes.

Submissions (3):

Blueprint Genetics
Classification: Likely benign. Last evaluated: 2024-09-13. Review status: criteria provided, single submitter. Criteria: ACMG Guidelines, 2015. Collection method: clinical testing. Allele origin: germline.

CeGaT Center for Human Genetics Tuebingen
Classification: Likely benign. Last evaluated: 2022-06-01. Review status: criteria provided, single submitter. Criteria: CeGaT Center For Human Genetics Tuebingen Variant Classification Criteria Version 2. Collection method: clinical testing. Allele origin: germline. Affected: yes. Observed: 1 variant allele.
Comment: RORB: BP4

Labcorp Genetics (formerly Invitae), Labcorp
Classification: Uncertain significance. Last evaluated: 2022-04-25. Review status: criteria provided, single submitter. Criteria: Invitae Variant Classification Sherloc (09022015). Collection method: clinical testing. Allele origin: germline.
Comment: In summary, the available evidence is currently insufficient to determine the role of this variant in disease. Therefore, it has been classified as a Variant of Uncertain Significance. Variants that disrupt the consensus splice site are a relatively common cause of aberrant splicing (PMID: 17576681, 9536098). Algorithms developed to predict the effect of sequence changes on RNA splicing suggest that this variant is not likely to affect RNA splicing. This variant has not been reported in the literature in individuals affected with RORB-related conditions. The frequency data for this variant in the population databases is considered unreliable, as metrics indicate poor data quality at this position in the gnomAD database. This sequence change falls in intron 1 of the RORB gene. It does not directly change the encoded amino acid sequence of the RORB protein. It affects a nucleotide within the consensus splice site.

Literature cited by the submitters: PubMed 17576681 (cited by Labcorp Genetics (formerly Invitae), Labcorp); PubMed 9536098 (cited by Labcorp Genetics (formerly Invitae), Labcorp).